The following is an entry in ClinVar:

NM_001903.5(CTNNA1):c.1926C>G (p.Asp642Glu)

Gene: CTNNA1 (catenin alpha 1; plus strand). Cytogenetic location: 5q31.2.
Variant type: single nucleotide variant.
Coding change: c.1926C>G on transcript NM_001903.5 (MANE Select); coding-DNA position 1926, C replaced by G.
Protein change: p.Asp642Glu; replaces aspartic acid 642 with glutamic acid.
Molecular consequence: missense variant.
Genome position (GRCh38, 1-based): chr5:138,929,272, C>G. VCF-style: chr5-138929272-C-G. GRCh37 (hg19) VCF-style: chr5-138264961-C-G.
Other names: c.1926C>G, p.Asp642Glu (NM_001290307.3, NM_001323982.2, NM_001323983.1 and 2 more transcripts); c.1617C>G, p.Asp539Glu (NM_001290309.3); c.1557C>G, p.Asp519Glu (NM_001290310.3); c.816C>G, p.Asp272Glu (NM_001290312.1, NM_001323987.1, NM_001323988.1 and 17 more transcripts); c.1833C>G, p.Asp611Glu (NM_001323986.2); c.477C>G, p.Asp159Glu (NM_001324006.1, NM_001324007.1, NM_001324008.1 and 2 more transcripts); c.723C>G, p.Asp241Glu (NM_001324011.1); c.573C>G, p.Asp191Glu (NM_001324012.1, NM_001324013.1); short protein forms D159E, D611E, D272E, D519E, D539E, D642E, D191E, D241E.
Identifiers: ClinVar variation 3498201 (VCV003498201.1).

ClinVar aggregate classification (germline): Uncertain significance (1 of 4 stars; one submission).

Conditions:
Hereditary cancer-predisposing syndrome. Also called: Tumor predisposition; Neoplastic Syndromes, Hereditary; Hereditary Cancer Syndrome; Hereditary neoplastic syndrome. Identifiers: Orphanet 140162, MedGen C0027672, MeSH D009386, MONDO:0015356.

Submission:

Ambry Genetics
Classification: Uncertain significance for Hereditary cancer-predisposing syndrome. Last evaluated: 2024-07-02. Review status: criteria provided, single submitter. Criteria: Ambry Variant Classification Scheme 2023. Collection method: clinical testing. Allele origin: germline.
Comment: The p.D642E variant (also known as c.1926C>G), located in coding exon 13 of the CTNNA1 gene, results from a C to G substitution at nucleotide position 1926. The aspartic acid at codon 642 is replaced by glutamic acid, an amino acid with highly similar properties. This amino acid position is conserved. In addition, this alteration is predicted to be tolerated by in silico analysis. Based on the available evidence, the clinical significance of this variant remains unclear.